The following is an entry in ClinVar:

NM_015215.4(CAMTA1):c.838_839del (p.Ser280fs)

Gene: CAMTA1 (calmodulin binding transcription activator 1; plus strand). Cytogenetic location: 1p36.23.
Variant type: Deletion.
Coding change: c.838_839del on transcript NM_015215.4 (MANE Select); coding-DNA positions 838 to 839, 2 bases deleted (AG; older notation c.838_839delAG).
Protein change: p.Ser280fs; shifts the reading frame from serine 280.
Molecular consequence: frameshift variant.
Genome position (GRCh38, 1-based): chr1:7,663,385-7,663,386, AG deleted. VCF-style (leftmost placement, unchanged base first): chr1-7663384-CAG-C. GRCh37 (hg19) VCF-style: chr1-7723444-CAG-C.
Other names: c.748_749del, p.Ser250fs (NM_001349608.2, NM_001349612.2); c.838_839del, p.Ser280fs (NM_001349609.2, NM_001349610.2, NM_001410737.1); c.766_767del, p.Ser256fs (NM_001410738.1); short protein forms S250fs, S256fs, S280fs.
Identifiers: ClinVar variation 3346343 (VCV003346343.1).

ClinVar aggregate classification (germline): Likely pathogenic (0 of 4 stars; one submission).

Conditions:
CAMTA1-related disorder. Also called: CAMTA1-related condition.

Submission:

PreventionGenetics, part of Exact Sciences
Classification: Likely pathogenic for CAMTA1-related condition. Last evaluated: 2024-06-02. Review status: no assertion criteria provided. Collection method: clinical testing. Allele origin: germline.
Comment: The CAMTA1 c.838_839delAG variant is predicted to result in a frameshift and premature protein termination (p.Ser280Argfs*27). To our knowledge, this variant has not been reported in the literature or in a large population database, indicating this variant is rare. Frameshift variants in CAMTA1 are expected to be pathogenic. This variant is interpreted as likely pathogenic.